The following is an entry in ClinVar:

NM_001291415.2(KDM6A):c.4233A>C (p.Gln1411His)

Gene: KDM6A (lysine demethylase 6A; plus strand). Cytogenetic location: Xp11.3.
Variant type: single nucleotide variant.
Coding change: c.4233A>C on transcript NM_001291415.2 (MANE Select); coding-DNA position 4233, A replaced by C.
Protein change: p.Gln1411His; replaces glutamine 1411 with histidine.
Molecular consequence: missense variant. On other transcripts: non-coding transcript variant (1).
Genome position (GRCh38, 1-based): chrX:45,110,150, A>C. VCF-style: chrX-45110150-A-C. GRCh37 (hg19) VCF-style: chrX-44969395-A-C.
Other names: c.4098A>C, p.Gln1366His (NM_001291416.2); c.3942A>C, p.Gln1314His (NM_001291417.2); c.3840A>C, p.Gln1280His (NM_001291418.2); c.3189A>C, p.Gln1063His (NM_001291421.2); c.3975A>C, p.Gln1325His (NM_001410742.1); c.4341A>C, p.Gln1447His (NM_001419809.1); c.4239A>C, p.Gln1413His (NM_001419810.1); c.4206A>C, p.Gln1402His (NM_001419811.1); and 5 more; short protein forms Q1063H, Q1377H, Q1413H, Q1359H, Q1366H, Q1411H, Q1314H, Q1316H.
Identifiers: ClinVar variation 2837417 (VCV002837417.3), dbSNP rs2148306052, ClinGen allele CA412777170.

ClinVar aggregate classification (germline): Uncertain significance (1 of 4 stars; one submission).

Conditions:
Kabuki syndrome 2 (KABUK2). Also called: KDM6A-Related Kabuki Syndrome. Identifiers: Orphanet 2322, MedGen C3275495, MONDO:0010465, OMIM 300867.

Submission:

Labcorp Genetics (formerly Invitae), Labcorp
Classification: Uncertain significance for Kabuki syndrome 2. Last evaluated: 2023-02-14. Review status: criteria provided, single submitter. Criteria: Invitae Variant Classification Sherloc (09022015). Collection method: clinical testing. Allele origin: germline.
Comment: This sequence change replaces glutamine, which is neutral and polar, with histidine, which is basic and polar, at codon 1359 of the KDM6A protein (p.Gln1359His). This variant is not present in population databases (gnomAD no frequency). This variant has not been reported in the literature in individuals affected with KDM6A-related conditions. Algorithms developed to predict the effect of missense changes on protein structure and function (SIFT, PolyPhen-2, Align-GVGD) all suggest that this variant is likely to be tolerated. In summary, the available evidence is currently insufficient to determine the role of this variant in disease. Therefore, it has been classified as a Variant of Uncertain Significance.